The following is an entry in ClinVar:

NM_001369.3(DNAH5):c.5988C>A (p.Cys1996Ter)

Gene: DNAH5 (dynein axonemal heavy chain 5; minus strand). Cytogenetic location: 5p15.2.
Variant type: single nucleotide variant.
Coding change: c.5988C>A on transcript NM_001369.3 (MANE Select); coding-DNA position 5988, C replaced by A.
Protein change: p.Cys1996Ter; replaces cysteine 1996 with a stop codon.
Molecular consequence: nonsense.
Genome position (GRCh38, 1-based): chr5:13,830,670, G>T on the plus strand (C>A on the coding strand, the complement: DNAH5 is on the minus strand). VCF-style: chr5-13830670-G-T. GRCh37 (hg19) VCF-style: chr5-13830779-G-T.
Other names: short protein forms C1996*.
Identifiers: ClinVar variation 4814906 (VCV004814906.1).
Genomic context (GRCh38, chr5:13,830,670, plus strand): 5'-TCCAAGTCCTCGGAAATCCATCTGGTCTGAACAATTGAAAACCACGACGTATTTCCCGAG[G>T]CATCGTCCCATGTCTTTAGTGGTTTCTGTTTTGCCTGTGCCTGCAGGTCCAGCAGGGGCT-3'

ClinVar aggregate classification (germline): Likely pathogenic (1 of 4 stars; one submission).

Conditions:
Primary ciliary dyskinesia. Also called: Ciliary dyskinesia. Identifiers: Orphanet 244, MedGen C0008780, MONDO:0016575, HP:0012265.

Submission:

Natera, Inc.
Classification: Likely pathogenic for Primary ciliary dyskinesia. Last evaluated: 2024-04-22. Review status: criteria provided, single submitter. Criteria: Natera Variant Classification Schema (03/2026). Collection method: clinical testing. Allele origin: germline.
Comment: The c.5988C>A variant in DNAH5 is a nonsense variant predicted to introduce a stop codon at amino acid 1996. This variant is expected to result in nonsense mediated decay, truncation, or a dysfunctional protein product. This variant is rare in the general population with a frequency below the threshold expected for the associated phenotype(s). Given the available evidence, this variant is classified as Likely Pathogenic.